The following is an entry in ClinVar:

NM_002168.4(IDH2):c.913G>C (p.Val305Leu)

Gene: IDH2 (isocitrate dehydrogenase (NADP(+)) 2; minus strand). Cytogenetic location: 15q26.1.
Variant type: single nucleotide variant.
Coding change: c.913G>C on transcript NM_002168.4 (MANE Select); coding-DNA position 913, G replaced by C.
Protein change: p.Val305Leu; replaces valine 305 with leucine.
Molecular consequence: missense variant.
Genome position (GRCh38, 1-based): chr15:90,087,166, C>G on the plus strand (G>C on the coding strand, the complement: IDH2 is on the minus strand). VCF-style: chr15-90087166-C-G. GRCh37 (hg19) VCF-style: chr15-90630398-C-G.
Other names: c.757G>C, p.Val253Leu (NM_001289910.1); c.523G>C, p.Val175Leu (NM_001290114.2); short protein forms V175L, V253L, V305L.
Identifiers: ClinVar variation 1707805 (VCV001707805.3), dbSNP rs138800371, ClinGen allele CA393801304.

ClinVar aggregate classification (germline): Uncertain significance. Review status: criteria provided, multiple submitters, no conflicts (2 of 4 stars). 2 submissions from 2 submitters: Uncertain significance (2). Last evaluated 2026-01-21.

Conditions:
Inborn genetic diseases. Identifiers: MedGen C0950123, MeSH D030342.

Submissions (2):

Ambry Genetics
Classification: Uncertain significance for Inborn genetic diseases. Last evaluated: 2026-01-21. Review status: criteria provided, single submitter. Criteria: Ambry Variant Classification Scheme 2023. Collection method: clinical testing. Allele origin: germline.

GeneDx
Classification: Uncertain significance. Last evaluated: 2022-03-30. Review status: criteria provided, single submitter. Criteria: GeneDx Variant Classification Process June 2021. Collection method: clinical testing. Allele origin: germline. Affected: yes.
Comment: Not observed at significant frequency in large population cohorts (gnomAD); In silico analysis supports that this missense variant has a deleterious effect on protein structure/function; Has not been previously published as pathogenic or benign to our knowledge